The following is an entry in ClinVar:

ClinVar aggregate classification (germline): Uncertain significance (1 of 4 stars; one submission).

Allele frequency attached by ClinVar (database versions not stated): ExAC 0.00001.

Submission:

Labcorp Genetics (formerly Invitae), Labcorp
Classification: Uncertain significance. Last evaluated: 2019-10-14. Review status: criteria provided, single submitter. Criteria: Invitae Variant Classification Sherloc (09022015). Collection method: clinical testing. Allele origin: germline.
Comment: In summary, the available evidence is currently insufficient to determine the role of this variant in disease. Therefore, it has been classified as a Variant of Uncertain Significance. Algorithms developed to predict the effect of missense changes on protein structure and function output the following: SIFT: "Tolerated"; PolyPhen-2: "Possibly Damaging"; Align-GVGD: "Class C0". The leucine amino acid residue is found in multiple mammalian species, suggesting that this missense change does not adversely affect protein function. These predictions have not been confirmed by published functional studies and their clinical significance is uncertain. This variant has not been reported in the literature in individuals with SLC24A1-related conditions. This variant is present in population databases (rs760771112, ExAC 0.009%). This sequence change replaces proline with leucine at codon 307 of the SLC24A1 protein (p.Pro307Leu). The proline residue is weakly conserved and there is a moderate physicochemical difference between proline and leucine.

NM_004727.3(SLC24A1):c.920C>T (p.Pro307Leu)

Gene: SLC24A1 (solute carrier family 24 member 1; plus strand). Cytogenetic location: 15q22.31.
Variant type: single nucleotide variant.
Coding change: c.920C>T on transcript NM_004727.3 (MANE Select); coding-DNA position 920, C replaced by T.
Protein change: p.Pro307Leu; replaces proline 307 with leucine.
Molecular consequence: missense variant.
Genome position (GRCh38, 1-based): chr15:65,625,000, C>T. VCF-style: chr15-65625000-C-T. GRCh37 (hg19) VCF-style: chr15-65917338-C-T.
Other names: c.920C>T, p.Pro307Leu (NM_001301031.1, NM_001301032.1, NM_001301033.2); short protein forms P307L.
Identifiers: ClinVar variation 938795 (VCV000938795.7), dbSNP rs760771112, ClinGen allele CA7619820.